The following is an entry in ClinVar:

NM_002292.4(LAMB2):c.704G>A (p.Arg235Gln)

Gene: LAMB2 (laminin subunit beta 2; minus strand). Cytogenetic location: 3p21.31.
Variant type: single nucleotide variant.
Coding change: c.704G>A on transcript NM_002292.4 (MANE Select); coding-DNA position 704, G replaced by A.
Protein change: p.Arg235Gln; replaces arginine 235 with glutamine.
Molecular consequence: missense variant.
Genome position (GRCh38, 1-based): chr3:49,131,387, C>T on the plus strand (G>A on the coding strand, the complement: LAMB2 is on the minus strand). VCF-style: chr3-49131387-C-T. GRCh37 (hg19) VCF-style: chr3-49168820-C-T.
Other names: c.704G>A (NM_002292.3); short protein forms R235Q.
Identifiers: ClinVar variation 2058905 (VCV002058905.2), dbSNP rs767154519, ClinGen allele CA352749033.

ClinVar aggregate classification (germline): Uncertain significance. Review status: criteria provided, multiple submitters, no conflicts (2 of 4 stars). 2 submissions from 2 submitters: Uncertain significance (2). Last evaluated 2025-10-07.

Conditions:
Inborn genetic diseases. Identifiers: MedGen C0950123, MeSH D030342.
Pierson syndrome. Also called: MICROCORIA-CONGENITAL NEPHROTIC SYNDROME. Identifiers: Orphanet 2670, MedGen C1836876, MONDO:0012184, OMIM 609049.
LAMB2-related infantile-onset nephrotic syndrome. Also called: NEPHROTIC SYNDROME, TYPE 5, WITHOUT OCULAR ABNORMALITIES; NEPHROTIC SYNDROME, TYPE 5, WITH OCULAR ABNORMALITIES; Nephrotic Syndrome, type 5. Identifiers: Orphanet 306507, MedGen C3280113, MONDO:0013621, OMIM 614199.

gnomAD v4.1: 11 of 1,613,880 alleles (0.00068%); highest among the groups gnomAD compares: Admixed American, 0.0067%; no homozygotes.

Submissions (2):

Ambry Genetics
Classification: Uncertain significance for Inborn genetic diseases. Last evaluated: 2025-10-07. Review status: criteria provided, single submitter. Criteria: Ambry Variant Classification Scheme 2023. Collection method: clinical testing. Allele origin: germline.

Labcorp Genetics (formerly Invitae), Labcorp
Classification: Uncertain significance for LAMB2-related infantile-onset nephrotic syndrome; Pierson syndrome. Last evaluated: 2022-05-27. Review status: criteria provided, single submitter. Criteria: Invitae Variant Classification Sherloc (09022015). Collection method: clinical testing. Allele origin: germline.
Comment: This sequence change replaces arginine, which is basic and polar, with glutamine, which is neutral and polar, at codon 235 of the LAMB2 protein (p.Arg235Gln). This variant is present in population databases (no rsID available, gnomAD 0.003%). This variant has not been reported in the literature in individuals affected with LAMB2-related conditions. Algorithms developed to predict the effect of missense changes on protein structure and function output the following: SIFT: "Tolerated"; PolyPhen-2: "Benign"; Align-GVGD: "Class C0". The glutamine amino acid residue is found in multiple mammalian species, which suggests that this missense change does not adversely affect protein function. In summary, the available evidence is currently insufficient to determine the role of this variant in disease. Therefore, it has been classified as a Variant of Uncertain Significance.